The following is an entry in ClinVar:

ClinVar aggregate classification (germline): Uncertain significance (1 of 4 stars; one submission).

Submission:

Labcorp Genetics (formerly Invitae), Labcorp
Classification: Uncertain significance. Last evaluated: 2025-04-24. Review status: criteria provided, single submitter. Criteria: Invitae Variant Classification Sherloc (09022015). Collection method: clinical testing. Allele origin: germline.
Comment: This sequence change replaces methionine, which is neutral and non-polar, with valine, which is neutral and non-polar, at codon 56 of the TNFRSF11A protein (p.Met56Val). This variant is not present in population databases (gnomAD no frequency). This variant has not been reported in the literature in individuals affected with TNFRSF11A-related conditions. Invitae Evidence Modeling of protein sequence and biophysical properties (such as structural, functional, and spatial information, amino acid conservation, physicochemical variation, residue mobility, and thermodynamic stability) indicates that this missense variant is not expected to disrupt TNFRSF11A protein function with a negative predictive value of 80%. In summary, the available evidence is currently insufficient to determine the role of this variant in disease. Therefore, it has been classified as a Variant of Uncertain Significance.

NM_003839.4(TNFRSF11A):c.166A>G (p.Met56Val)

Gene: TNFRSF11A (TNF receptor superfamily member 11a; plus strand). Cytogenetic location: 18q21.33.
Variant type: single nucleotide variant.
Coding change: c.166A>G on transcript NM_003839.4 (MANE Select); coding-DNA position 166, A replaced by G.
Protein change: p.Met56Val; replaces methionine 56 with valine.
Molecular consequence: missense variant.
Genome position (GRCh38, 1-based): chr18:62,349,820, A>G. VCF-style: chr18-62349820-A-G. GRCh37 (hg19) VCF-style: chr18-60017053-A-G.
Other names: c.166A>G, p.Met56Val (NM_001270949.2, NM_001270950.2, NM_001270951.2 and 1 more transcripts); short protein forms M56V.
Identifiers: ClinVar variation 4762400 (VCV004762400.1).
Genomic context (GRCh38, chr18:62,349,820, plus strand): 5'-TGTTTTTGTTTGGTTTTTTGATGGTTGCATTTTTCTCCCTCATTTTTTTAAGGAAAGTAC[A>G]TGTCTTCTAAATGCACTACTACCTCTGACAGTGTATGTCTGCCCTGTGGCCCGGATGAAT-3'
Protein context (NP_003830.1, residues 46-66): CCNKCEPGKY[Met56Val]SSKCTTTSDS